The following is an entry in ClinVar:

ClinVar aggregate classification (germline): Uncertain significance. Review status: criteria provided, multiple submitters, no conflicts (2 of 4 stars). 2 submissions from 2 submitters: Uncertain significance (2). Last evaluated 2025-08-19.

Conditions:
Cardiovascular phenotype. Identifiers: MedGen CN230736.

Submissions (2):

Ambry Genetics
Classification: Uncertain significance for Cardiovascular phenotype. Last evaluated: 2025-08-19. Review status: criteria provided, single submitter. Criteria: Ambry Variant Classification Scheme 2023. Collection method: clinical testing. Allele origin: germline.
Comment: The p.T2767P variant (also known as c.8299A>C), located in coding exon 24 of the DSP gene, results from an A to C substitution at nucleotide position 8299. The threonine at codon 2767 is replaced by proline, an amino acid with highly similar properties. This amino acid position is conserved. In addition, this alteration is predicted to be tolerated by in silico analysis. Based on the available evidence, the clinical significance of this variant remains unclear.

ARUP Laboratories, Molecular Genetics and Genomics, ARUP Laboratories
Classification: Uncertain significance. Last evaluated: 2025-05-23. Review status: criteria provided, single submitter. Criteria: ARUP Molecular Germline Variant Investigation Process 2024. Collection method: clinical testing. Allele origin: germline.
Comment: The DSP c.8299A>C; p.Thr2767Pro variant, to our knowledge, is not reported in the medical literature or gene specific databases. This variant is also absent from the Genome Aggregation Database (v2.1.1), indicating it is not a common polymorphism. Computational analyses are uncertain whether this variant is neutral or deleterious (REVEL: 0.208). Due to limited information, the clinical significance of this variant is uncertain at this time.

NM_004415.4(DSP):c.8299A>C (p.Thr2767Pro)

Gene: DSP (desmoplakin; plus strand). Cytogenetic location: 6p24.3.
Variant type: single nucleotide variant.
Coding change: c.8299A>C on transcript NM_004415.4 (MANE Select); coding-DNA position 8299, A replaced by C.
Protein change: p.Thr2767Pro; replaces threonine 2767 with proline.
Molecular consequence: missense variant.
Genome position (GRCh38, 1-based): chr6:7,585,561, A>C. VCF-style: chr6-7585561-A-C. GRCh37 (hg19) VCF-style: chr6-7585794-A-C.
Other names: c.6502A>C, p.Thr2168Pro (NM_001008844.3); c.6970A>C, p.Thr2324Pro (NM_001319034.2); short protein forms T2168P, T2324P, T2767P.
Identifiers: ClinVar variation 4245119 (VCV004245119.2).
Genomic context (GRCh38, chr6:7,585,561, plus strand): 5'-ACCGAAGAAGCCATCCGGAAGGGGTTCATAGATGGCCGCGCCGCACAGAGGCTGCAAGAC[A>C]CCAGCAGCTATGCCAAAATCCTGACCTGCCCCAAAACCAAATTAAAAATATCCTATAAGG-3'
Protein context (NP_004406.2, residues 2757-2777): DGRAAQRLQD[Thr2767Pro]SSYAKILTCP